The following is an entry in ClinVar:

NM_001165963.4(SCN1A):c.5182G>A (p.Gly1728Arg)

Genes: SCN1A (sodium voltage-gated channel alpha subunit 1; minus strand), LOC102724058 (uncharacterized LOC102724058; plus strand). Cytogenetic location: 2q24.3.
Variant type: single nucleotide variant.
Coding change: c.5182G>A on transcript NM_001165963.4 (MANE Select); coding-DNA position 5182, G replaced by A.
Protein change: p.Gly1728Arg; replaces glycine 1728 with arginine.
Molecular consequence: missense variant. On other transcripts: non-coding transcript variant (1).
Genome position (GRCh38, 1-based): chr2:165,992,093, C>T on the plus strand (G>A on the coding strand, the complement: SCN1A is on the minus strand). VCF-style: chr2-165992093-C-T. GRCh37 (hg19) VCF-style: chr2-166848603-C-T.
Other names: c.5098G>A, p.Gly1700Arg (NM_001165964.3, NM_001353957.2, NM_001353958.2); c.5182G>A, p.Gly1728Arg (NM_001202435.3, NM_001353948.2); c.5149G>A, p.Gly1717Arg (NM_001353949.2, NM_001353950.2, NM_001353951.2 and 2 more transcripts); c.5146G>A, p.Gly1716Arg (NM_001353954.2, NM_001353955.2); c.5095G>A, p.Gly1699Arg (NM_001353960.2); c.2740G>A, p.Gly914Arg (NM_001353961.2); short protein forms G1699R, G1700R, G1728R, G1716R, G1717R, G914R.
Identifiers: ClinVar variation 846117 (VCV000846117.10), dbSNP rs1238612161, ClinGen allele CA349068741.
Genomic context (GRCh38, chr2:165,992,093, plus strand): 5'-GGTTAACTTTATTAGGGTCACAGTCGGGTGGCTTACTGTTGAGAATGGGTGCTAGCAATC[C>T]ATCCCAGCCAGCAGAGGTTGTAATTTGGAATAGGCAGATCATGCTGTTGCCAAAGGTCTC-3'
Protein context (NP_001159435.1, residues 1718-1738): FQITTSAGWD[Gly1728Arg]LLAPILNSKP

ClinVar aggregate classification (germline): Likely pathogenic (1 of 4 stars; one submission).

Conditions:
Early-infantile DEE. Also called: Ohtahara syndrome; Early infantile epileptic encephalopathy with suppression bursts; Early infantile epileptic encephalopathy. Identifiers: Orphanet 1934, MedGen C0393706, MONDO:0800491.

Submission:

Labcorp Genetics (formerly Invitae), Labcorp
Classification: Likely pathogenic for Early-infantile DEE. Last evaluated: 2022-02-04. Review status: criteria provided, single submitter. Criteria: Invitae Variant Classification Sherloc (09022015). Collection method: clinical testing. Allele origin: germline.
Comment: Algorithms developed to predict the effect of sequence changes on RNA splicing suggest that this variant may create or strengthen a splice site. This sequence change replaces glycine, which is neutral and non-polar, with arginine, which is basic and polar, at codon 1728 of the SCN1A protein (p.Gly1728Arg). This variant is not present in population databases (gnomAD no frequency). This variant has not been reported in the literature in individuals affected with SCN1A-related conditions. ClinVar contains an entry for this variant (Variation ID: 846117). Advanced modeling of protein sequence and biophysical properties (such as structural, functional, and spatial information, amino acid conservation, physicochemical variation, residue mobility, and thermodynamic stability) performed at Invitae indicates that this missense variant is expected to disrupt SCN1A protein function. This variant disrupts the p.Gly172 amino acid residue in SCN1A. Other variant(s) that disrupt this residue have been determined to be pathogenic (PMID: 30619928). This suggests that this residue is clinically significant, and that variants that disrupt this residue are likely to be disease-causing. In summary, the currently available evidence indicates that the variant is pathogenic, but additional data are needed to prove that conclusively. Therefore, this variant has been classified as Likely Pathogenic.

Literature cited by the submitters: PubMed 30619928.